The following is an entry in ClinVar:

NM_001905.4(CTPS1):c.1040C>T (p.Ser347Leu)

Gene: CTPS1 (CTP synthase 1; plus strand). Cytogenetic location: 1p34.2.
Variant type: single nucleotide variant.
Coding change: c.1040C>T on transcript NM_001905.4 (MANE Select); coding-DNA position 1040, C replaced by T.
Protein change: p.Ser347Leu; replaces serine 347 with leucine.
Molecular consequence: missense variant. On other transcripts: non-coding transcript variant (1).
Genome position (GRCh38, 1-based): chr1:41,001,063, C>T. VCF-style: chr1-41001063-C-T. GRCh37 (hg19) VCF-style: chr1-41466735-C-T.
Other names: c.572C>T, p.Ser191Leu (NM_001301237.2); short protein forms S191L, S347L.
Identifiers: ClinVar variation 1400625 (VCV001400625.6), dbSNP rs988433826, ClinGen allele CA21144664.

ClinVar aggregate classification (germline): Uncertain significance (1 of 4 stars; one submission).

Conditions:
Combined immunodeficiency due to CTPS1 deficiency. Also called: Immunodeficiency 24; Severe combined immunodeficiency due to CTPS1 deficiency. Identifiers: Orphanet 420573, MedGen C4014617, MONDO:0014391, OMIM 615897.

Allele frequency attached by ClinVar (database versions not stated): gnomAD 0.00002; gnomAD exomes 0.00002; TOPMed 0.00003.
gnomAD v4.1: 16 of 1,612,356 alleles (0.00099%); highest among the groups gnomAD compares: South Asian, 0.0055%; no homozygotes.

Submission:

Labcorp Genetics (formerly Invitae), Labcorp
Classification: Uncertain significance for Combined immunodeficiency due to CTPS1 deficiency. Last evaluated: 2025-11-13. Review status: criteria provided, single submitter. Criteria: Invitae Variant Classification Sherloc (09022015). Collection method: clinical testing. Allele origin: germline.
Comment: This sequence change replaces serine, which is neutral and polar, with leucine, which is neutral and non-polar, at codon 347 of the CTPS1 protein (p.Ser347Leu). This variant is present in population databases (no rsID available, gnomAD 0.01%). This variant has not been reported in the literature in individuals affected with CTPS1-related conditions. ClinVar contains an entry for this variant (Variation ID: 1400625). An algorithm developed to predict the effect of missense changes on protein structure and function outputs the following: PolyPhen-2: "Benign". The leucine amino acid residue is found in multiple mammalian species, which suggests that this missense change does not adversely affect protein function. In summary, the available evidence is currently insufficient to determine the role of this variant in disease. Therefore, it has been classified as a Variant of Uncertain Significance.